The following is an entry in ClinVar:

ClinVar aggregate classification (germline): Uncertain significance (1 of 4 stars; one submission).

Conditions:
Frontometaphyseal dysplasia (FMD1). Identifiers: Orphanet 1826, MedGen C0265293, MONDO:0015942.
Melnick-Needles syndrome (MNS). Also called: MELNICK-NEEDLES OSTEODYSPLASTY; OSTEODYSPLASTY OF MELNICK AND NEEDLES; Melnick-Needles Syndrome (FLNA-MNS). Identifiers: Orphanet 2484, MedGen C0025237, MONDO:0010650, OMIM 309350.
Oto-palato-digital syndrome, type II (OPD2). Also called: FACIOPALATOOSSEOUS SYNDROME; Otopalatodigital Syndrome, Type II; OPD II SYNDROME; Otopalatodigital Syndrome Type 2 (FLNA-OPD2). Identifiers: Orphanet 669, Orphanet 90652, MedGen C1844696, MONDO:0010571, OMIM 304120.
Heterotopia, periventricular, X-linked dominant (PVNH1). Also called: PERIVENTRICULAR NODULAR HETEROTOPIA 1; X-linked periventricular heterotopia; PERIVENTRICULAR NODULAR HETEROTOPIA 4; HETEROTOPIA, PERIVENTRICULAR, 1. Identifiers: Orphanet 2149, Orphanet 82004, MedGen C1848213, MONDO:0010233, OMIM 300049.

Submission:

Labcorp Genetics (formerly Invitae), Labcorp
Classification: Uncertain significance for Oto-palato-digital syndrome, type II; Heterotopia, periventricular, X-linked dominant; Frontometaphyseal dysplasia; Melnick-Needles syndrome. Last evaluated: 2025-12-08. Review status: criteria provided, single submitter. Criteria: Invitae Variant Classification Sherloc (09022015). Collection method: clinical testing. Allele origin: germline.
Comment: This sequence change replaces valine, which is neutral and non-polar, with isoleucine, which is neutral and non-polar, at codon 1530 of the FLNA protein (p.Val1530Ile). This variant is not present in population databases (gnomAD no frequency). This variant has not been reported in the literature in individuals affected with FLNA-related conditions. ClinVar contains an entry for this variant (Variation ID: 1005827). Invitae Evidence Modeling of protein sequence and biophysical properties (such as structural, functional, and spatial information, amino acid conservation, physicochemical variation, residue mobility, and thermodynamic stability) indicates that this missense variant is not expected to disrupt FLNA protein function with a negative predictive value of 95%. In summary, the available evidence is currently insufficient to determine the role of this variant in disease. Therefore, it has been classified as a Variant of Uncertain Significance.

NM_001110556.2(FLNA):c.4588G>A (p.Val1530Ile)

Gene: FLNA (filamin A; minus strand). Cytogenetic location: Xq28.
Variant type: single nucleotide variant.
Coding change: c.4588G>A on transcript NM_001110556.2 (MANE Select); coding-DNA position 4588, G replaced by A.
Protein change: p.Val1530Ile; replaces valine 1530 with isoleucine.
Molecular consequence: missense variant.
Genome position (GRCh38, 1-based): chrX:154,358,455, C>T on the plus strand (G>A on the coding strand, the complement: FLNA is on the minus strand). VCF-style: chrX-154358455-C-T. GRCh37 (hg19) VCF-style: chrX-153586823-C-T.
Other names: c.4588G>A, p.Val1530Ile (NM_001456.4); short protein forms V1530I.
Identifiers: ClinVar variation 1005827 (VCV001005827.9), dbSNP rs2067679230, ClinGen allele CA415215240.